The following is an entry in ClinVar:

NM_002470.4(MYH3):c.5480T>C (p.Leu1827Pro)

Gene: MYH3 (myosin heavy chain 3; minus strand). Cytogenetic location: 17p13.1.
Variant type: single nucleotide variant.
Coding change: c.5480T>C on transcript NM_002470.4 (MANE Select); coding-DNA position 5480, T replaced by C.
Protein change: p.Leu1827Pro; replaces leucine 1827 with proline.
Molecular consequence: missense variant.
Genome position (GRCh38, 1-based): chr17:10,630,174, A>G on the plus strand (T>C on the coding strand, the complement: MYH3 is on the minus strand). VCF-style: chr17-10630174-A-G. GRCh37 (hg19) VCF-style: chr17-10533491-A-G.
Other names: short protein forms L1827P.
Identifiers: ClinVar variation 2831077 (VCV002831077.3), dbSNP rs2508561675, ClinGen allele CA398130751.

ClinVar aggregate classification (germline): Uncertain significance (1 of 4 stars; one submission).

Submission:

Labcorp Genetics (formerly Invitae), Labcorp
Classification: Uncertain significance. Last evaluated: 2023-03-03. Review status: criteria provided, single submitter. Criteria: Invitae Variant Classification Sherloc (09022015). Collection method: clinical testing. Allele origin: germline.
Comment: This variant is not present in population databases (gnomAD no frequency). This sequence change replaces leucine, which is neutral and non-polar, with proline, which is neutral and non-polar, at codon 1827 of the MYH3 protein (p.Leu1827Pro). This variant has not been reported in the literature in individuals affected with MYH3-related conditions. Advanced modeling of protein sequence and biophysical properties (such as structural, functional, and spatial information, amino acid conservation, physicochemical variation, residue mobility, and thermodynamic stability) performed at Invitae indicates that this missense variant is not expected to disrupt MYH3 protein function. In summary, the available evidence is currently insufficient to determine the role of this variant in disease. Therefore, it has been classified as a Variant of Uncertain Significance.